The following is an entry in ClinVar:

ClinVar aggregate classification (germline): Uncertain significance (1 of 4 stars; one submission).

Submission:

Labcorp Genetics (formerly Invitae), Labcorp
Classification: Uncertain significance. Last evaluated: 2022-09-06. Review status: criteria provided, single submitter. Criteria: Invitae Variant Classification Sherloc (09022015). Collection method: clinical testing. Allele origin: germline.
Comment: In summary, the available evidence is currently insufficient to determine the role of this variant in disease. Therefore, it has been classified as a Variant of Uncertain Significance. This variant disrupts a region of the PROM1 protein in which other variant(s) (p.Leu618Arg) have been observed in individuals with PROM1-related conditions (PMID: 29555955). This suggests that this is a clinically significant region of the protein, and that variants that disrupt it are likely to be disease-causing. This variant has not been reported in the literature in individuals affected with PROM1-related conditions. This variant is a gross deletion of the genomic region encompassing exon(s) 16 of the PROM1 gene. This variant would be expected to be in-frame, preserving the integrity of the reading frame.

Literature cited by the submitters: PubMed 29555955.

NC_000004.11:g.(?_15993851)_(15994034_?)del

Gene: PROM1 (prominin 1; minus strand). Cytogenetic location: 4p15.32.
Variant type: Deletion.
Identifiers: ClinVar variation 2425461 (VCV002425461.4).